The following is an entry in ClinVar:

ClinVar aggregate classification (germline): Uncertain significance (1 of 4 stars; one submission).

Conditions:
Long QT syndrome (LQTS). Identifiers: MedGen C0023976, MeSH D008133, MONDO:0002442. Disease mechanism: loss of function. Inheritance: Various modes of inheritance.

Submission:

Labcorp Genetics (formerly Invitae), Labcorp
Classification: Uncertain significance for Long QT syndrome. Last evaluated: 2025-06-10. Review status: criteria provided, single submitter. Criteria: Invitae Variant Classification Sherloc (09022015). Collection method: clinical testing. Allele origin: germline.
Comment: This sequence change replaces alanine, which is neutral and non-polar, with valine, which is neutral and non-polar, at codon 305 of the CACNA1C protein (p.Ala305Val). This variant is not present in population databases (gnomAD no frequency). This variant has not been reported in the literature in individuals affected with CACNA1C-related conditions. An algorithm developed to predict the effect of missense changes on protein structure and function (PolyPhen-2) suggests that this variant is likely to be tolerated. In summary, the available evidence is currently insufficient to determine the role of this variant in disease. Therefore, it has been classified as a Variant of Uncertain Significance.

NM_000719.7(CACNA1C):c.914C>T (p.Ala305Val)

Gene: CACNA1C (calcium voltage-gated channel subunit alpha1 C; plus strand). Cytogenetic location: 12p13.33.
Variant type: single nucleotide variant.
Coding change: c.914C>T on transcript NM_000719.7 (MANE Select); coding-DNA position 914, C replaced by T.
Protein change: p.Ala305Val; replaces alanine 305 with valine.
Molecular consequence: missense variant.
Genome position (GRCh38, 1-based): chr12:2,486,260, C>T. VCF-style: chr12-2486260-C-T. GRCh37 (hg19) VCF-style: chr12-2595426-C-T.
Other names: c.914C>T, p.Ala305Val (NM_001129827.2, NM_001129829.2, NM_001129830.3 and 19 more transcripts); short protein forms A305V.
Identifiers: ClinVar variation 4721168 (VCV004721168.1).